The following is an entry in ClinVar:

NM_003482.4(KMT2D):c.11223_11228del (p.Gln3744_Gln3745del)

Gene: KMT2D (lysine methyltransferase 2D; minus strand). Cytogenetic location: 12q13.12.
Variant type: Deletion.
Coding change: c.11223_11228del on transcript NM_003482.4 (MANE Select); coding-DNA positions 11223 to 11228, 6 bases deleted (ACAGCA; older notation c.11223_11228delACAGCA).
Protein change: p.Gln3744_Gln3745del.
Molecular consequence: inframe deletion.
Genome position (GRCh38, 1-based): chr12:49,033,477-49,033,482, TGCTGT deleted on the plus strand (ACAGCA on the coding strand, the reverse complement: KMT2D is on the minus strand); deleting any 6 consecutive bases within chr12:49,033,477-49,033,487 gives the same sequence; the c. name uses the placement nearest the transcript's 3' end. VCF-style (leftmost placement, unchanged base first): chr12-49033476-CTGCTGT-C. GRCh37 (hg19) VCF-style: chr12-49427259-CTGCTGT-C.
Identifiers: ClinVar variation 2875553 (VCV002875553.3), dbSNP rs2120443228, ClinGen allele CA2726156455.

ClinVar aggregate classification (germline): Uncertain significance (1 of 4 stars; one submission).

Conditions:
Kabuki syndrome. Also called: NIIKAWA-KUROKI SYNDROME; Kabuki make-up syndrome. Identifiers: Orphanet 2322, MedGen C0796004, MONDO:0016512.

Submission:

Labcorp Genetics (formerly Invitae), Labcorp
Classification: Uncertain significance for Kabuki syndrome. Last evaluated: 2023-07-28. Review status: criteria provided, single submitter. Criteria: Invitae Variant Classification Sherloc (09022015). Collection method: clinical testing. Allele origin: germline.
Comment: In summary, the available evidence is currently insufficient to determine the role of this variant in disease. Therefore, it has been classified as a Variant of Uncertain Significance. Experimental studies and prediction algorithms are not available or were not evaluated, and the functional significance of this variant is currently unknown. This variant is also known as p.Gln3739_Gln3740del. This variant has been observed in individual(s) with 28884922 (Kabuki syndrome). This variant is not present in population databases (gnomAD no frequency). This variant, c.11223_11228del, results in the deletion of 2 amino acid(s) of the KMT2D protein (p.Gln3744_Gln3745del), but otherwise preserves the integrity of the reading frame.